The following is an entry in ClinVar:

ClinVar aggregate classification (germline): Likely benign. Review status: criteria provided, multiple submitters, no conflicts (2 of 4 stars). 2 submissions from 2 submitters: Likely benign (2). Last evaluated 2025-05-21.

Conditions:
Charcot-Marie-Tooth disease axonal type 2O. Also called: CHARCOT-MARIE-TOOTH NEUROPATHY, AXONAL, TYPE 2O; CHARCOT-MARIE-TOOTH DISEASE, AXONAL, AUTOSOMAL DOMINANT, TYPE 2O; Charcot-Marie-Tooth Neuropathy Type 2O; Charcot-Marie-Tooth disease, axonal, type 20. Identifiers: Orphanet 284232, MedGen C3280220, MONDO:0013644, OMIM 614228.

Allele frequency attached by ClinVar (database versions not stated): gnomAD exomes below 0.00001 and 0.00001.
gnomAD v4.1: 3 of 1,614,210 alleles (0.00019%); highest among the groups gnomAD compares: Non-Finnish European, 0.00025%; no homozygotes.

Submissions (2):

Labcorp Genetics (formerly Invitae), Labcorp
Classification: Likely benign for Charcot-Marie-Tooth disease axonal type 2O. Last evaluated: 2025-05-21. Review status: criteria provided, single submitter. Criteria: Invitae Variant Classification Sherloc (09022015). Collection method: clinical testing. Allele origin: germline.

CeGaT Center for Human Genetics Tuebingen
Classification: Likely benign. Last evaluated: 2023-08-01. Review status: criteria provided, single submitter. Criteria: CeGaT Center For Human Genetics Tuebingen Variant Classification Criteria Version 2. Collection method: clinical testing. Allele origin: germline. Affected: yes. Observed: 1 variant allele.
Comment: DYNC1H1: BP4, BP7

NM_001376.5(DYNC1H1):c.9390T>C (p.Tyr3130=)

Genes: DYNC1H1 (dynein cytoplasmic 1 heavy chain 1; plus strand), LOC126862060 (BRD4-independent group 4 enhancer GRCh37_chr14:102493659-102494858; plus strand). Cytogenetic location: 14q32.31.
Variant type: single nucleotide variant.
Coding change: c.9390T>C on transcript NM_001376.5 (MANE Select); coding-DNA position 9390, T replaced by C.
Protein change: p.Tyr3130=; no amino-acid change (tyrosine 3130 retained).
Molecular consequence: synonymous variant.
Genome position (GRCh38, 1-based): chr14:102,028,063, T>C. VCF-style: chr14-102028063-T-C. GRCh37 (hg19) VCF-style: chr14-102494400-T-C.
Identifiers: ClinVar variation 1594421 (VCV001594421.32), dbSNP rs1232985980, ClinGen allele CA487966204.